The following is an entry in ClinVar:

NM_001041.4(SI):c.4268-14T>C

Gene: SI (sucrase-isomaltase; minus strand). Cytogenetic location: 3q26.1.
Variant type: single nucleotide variant.
Coding change: c.4268-14T>C on transcript NM_001041.4 (MANE Select); 14 bases into the intron before coding-DNA position 4268, T replaced by C.
Molecular consequence: intron variant.
Genome position (GRCh38, 1-based): chr3:165,006,968, A>G on the plus strand (T>C on the coding strand, the complement: SI is on the minus strand). VCF-style: chr3-165006968-A-G. GRCh37 (hg19) VCF-style: chr3-164724756-A-G.
Identifiers: ClinVar variation 344012 (VCV000344012.13), dbSNP rs201151548, ClinGen allele CA2689957.

ClinVar aggregate classification (germline): Benign/Likely benign. Review status: criteria provided, multiple submitters, no conflicts (2 of 4 stars). 3 submissions from 3 submitters: Benign (1); Likely benign (2). Last evaluated 2026-01-27.

Conditions:
Sucrase-isomaltase deficiency (CSID). Also called: Congenital sucrose isomaltose malabsorption; Sucrose isomaltose enzyme deficiency; SI DEFICIENCY; Deficiency of isomaltase. Identifiers: Orphanet 35122, MedGen C1283620, MONDO:0009114, OMIM 222900.

Allele frequency attached by ClinVar (database versions not stated): gnomAD 0.00041 and 0.00054; gnomAD exomes 0.00044 and 0.00142; TOPMed 0.00081; 1000 Genomes Project 30x 0.00156; ExAC 0.00174; 1000 Genomes Project 0.00200.
gnomAD v4.1: 711 of 1,560,306 alleles (0.046%); highest among the groups gnomAD compares: East Asian, 1.5%; 4 homozygotes.

Submissions (3):

Labcorp Genetics (formerly Invitae), Labcorp
Classification: Benign. Last evaluated: 2026-01-27. Review status: criteria provided, single submitter. Criteria: Invitae Variant Classification Sherloc (09022015). Collection method: clinical testing. Allele origin: germline.

Blueprint Genetics
Classification: Likely benign. Last evaluated: 2024-09-10. Review status: criteria provided, single submitter. Criteria: ACMG Guidelines, 2015. Collection method: clinical testing. Allele origin: germline.

Illumina Laboratory Services, Illumina
Classification: Likely benign for Sucrase-isomaltase deficiency. Last evaluated: 2018-01-13. Review status: criteria provided, single submitter. Criteria: ICSL Variant Classification Criteria 13 December 2019. Collection method: clinical testing. Allele origin: germline.
Comment: This variant was observed in the ICSL laboratory as part of a predisposition screen in an ostensibly healthy population. It had not been previously curated by ICSL or reported in the Human Gene Mutation Database (HGMD: prior to June 1st, 2018), and was therefore a candidate for classification through an automated scoring system. Utilizing variant allele frequency, disease prevalence and penetrance estimates, and inheritance mode, an automated score was calculated to assess if this variant is too frequent to cause the disease. Based on the score and internal cut-off values, a variant classified as likely benign is not then subjected to further curation. The score for this variant resulted in a classification of likely benign for this disease.